The following is an entry in ClinVar:

NM_001371727.1(GABRB2):c.542-11T>C

Gene: GABRB2 (gamma-aminobutyric acid type A receptor subunit beta2; minus strand). Cytogenetic location: 5q34.
Variant type: single nucleotide variant.
Coding change: c.542-11T>C on transcript NM_001371727.1 (MANE Select); 11 bases into the intron before coding-DNA position 542, T replaced by C.
Molecular consequence: intron variant.
Genome position (GRCh38, 1-based): chr5:161,336,780, A>G on the plus strand (T>C on the coding strand, the complement: GABRB2 is on the minus strand). VCF-style: chr5-161336780-A-G. GRCh37 (hg19) VCF-style: chr5-160763787-A-G.
Other names: c.542-11T>C (NM_000813.3, NM_021911.3).
Identifiers: ClinVar variation 380804 (VCV000380804.10), dbSNP rs10052441, ClinGen allele CA3543527.
Genomic context (GRCh38, chr5:161,336,780, plus strand): 5'-ATTATCATCGCCACGCCAGTAAAACTCAATGTCATCAGTTGTGTATCCATCTGTGAAAGG[A>G]AACATACACACACACACACACAAATACAGAAAACAAAAAAAAAAAAACAGACAAAACAGA-3'

ClinVar aggregate classification (germline): Benign. Review status: criteria provided, multiple submitters, no conflicts (2 of 4 stars). 2 submissions from 2 submitters: Benign (2). Last evaluated 2026-02-03.

Conditions:
Intellectual disability. Also called: Intellectual functioning disability; intellectual disabilities; Intellectual developmental disorder. Identifiers: MedGen C3714756, MeSH D008607, MONDO:0001071, HP:0001249.

Allele frequency attached by ClinVar (database versions not stated): ExAC 0.07336; gnomAD exomes 0.07411 and 0.07707; ESP Exome Variant Server 0.07643; gnomAD 0.08647 and 0.08326; 1000 Genomes Project 0.06430; 1000 Genomes Project 30x 0.06512.
gnomAD v4.1: 124,787 of 1,607,516 alleles (7.8%); highest among the groups gnomAD compares: Middle Eastern, 10%; 5,435 homozygotes.

Submissions (9):

Labcorp Genetics (formerly Invitae), Labcorp
Classification: Benign for Intellectual disability. Last evaluated: 2026-02-03. Review status: criteria provided, single submitter. Criteria: Invitae Variant Classification Sherloc (09022015). Collection method: clinical testing. Allele origin: germline.

GeneDx
Classification: Benign. Last evaluated: 2016-01-06. Review status: criteria provided, single submitter. Criteria: GeneDx Variant Classification (06012015). Collection method: clinical testing. Allele origin: germline. Affected: yes.
Comment: This variant is considered likely benign or benign based on one or more of the following criteria: it is a conservative change, it occurs at a poorly conserved position in the protein, it is predicted to be benign by multiple in silico algorithms, and/or has population frequency not consistent with disease.

Dr. Peter K. Rogan Lab, Western University
No classification provided (evidence only). Condition: Nonpapillary renal cell carcinoma. Review status: no classification provided. Collection method: in vitro. Allele origin: not applicable. Functional consequence: retained intron. Not counted in ClinVar's aggregate classification.

Dr. Peter K. Rogan Lab, Western University
No classification provided (evidence only). Condition: Familial pancreatic carcinoma. Review status: no classification provided. Collection method: in vitro. Allele origin: not applicable. Functional consequence: retained intron. Not counted in ClinVar's aggregate classification.

Dr. Peter K. Rogan Lab, Western University
No classification provided (evidence only). Condition: Familial pancreatic carcinoma. Review status: no classification provided. Collection method: in vitro. Allele origin: not applicable. Functional consequence: retained intron. Not counted in ClinVar's aggregate classification.

Dr. Peter K. Rogan Lab, Western University
No classification provided (evidence only). Condition: Lymphoma. Review status: no classification provided. Collection method: in vitro. Allele origin: not applicable. Functional consequence: retained intron. Not counted in ClinVar's aggregate classification.

Dr. Peter K. Rogan Lab, Western University
No classification provided (evidence only). Condition: Ovarian cancer. Review status: no classification provided. Collection method: in vitro. Allele origin: not applicable. Functional consequence: retained intron. Not counted in ClinVar's aggregate classification.

Dr. Peter K. Rogan Lab, Western University
No classification provided (evidence only). Condition: Ovarian cancer. Review status: no classification provided. Collection method: in vitro. Allele origin: not applicable. Functional consequence: retained intron. Not counted in ClinVar's aggregate classification.

Dr. Peter K. Rogan Lab, Western University
No classification provided (evidence only). Condition: Ovarian cancer. Review status: no classification provided. Collection method: in vitro. Allele origin: not applicable. Functional consequence: retained intron. Not counted in ClinVar's aggregate classification.